The following is an entry in ClinVar:

ClinVar aggregate classification (germline): Uncertain significance (1 of 4 stars; one submission).

Allele frequency attached by ClinVar (database versions not stated): gnomAD exomes below 0.00001; TOPMed below 0.00001.
gnomAD v4.1: 7 of 1,614,184 alleles (0.00043%); highest among the groups gnomAD compares: Non-Finnish European, 0.00042%; no homozygotes.

Submission:

Labcorp Genetics (formerly Invitae), Labcorp
Classification: Uncertain significance. Last evaluated: 2023-05-30. Review status: criteria provided, single submitter. Criteria: Invitae Variant Classification Sherloc (09022015). Collection method: clinical testing. Allele origin: germline.
Comment: In summary, the available evidence is currently insufficient to determine the role of this variant in disease. Therefore, it has been classified as a Variant of Uncertain Significance. An algorithm developed to predict the effect of missense changes on protein structure and function (PolyPhen-2) suggests that this variant is likely to be tolerated. This variant has not been reported in the literature in individuals affected with AP3D1-related conditions. This variant is not present in population databases (gnomAD no frequency). This sequence change replaces proline, which is neutral and non-polar, with leucine, which is neutral and non-polar, at codon 687 of the AP3D1 protein (p.Pro687Leu).

NM_001261826.3(AP3D1):c.2060C>T (p.Pro687Leu)

Gene: AP3D1 (adaptor related protein complex 3 subunit delta 1; minus strand). Cytogenetic location: 19p13.3.
Variant type: single nucleotide variant.
Coding change: c.2060C>T on transcript NM_001261826.3 (MANE Select); coding-DNA position 2060, C replaced by T.
Protein change: p.Pro687Leu; replaces proline 687 with leucine.
Molecular consequence: missense variant.
Genome position (GRCh38, 1-based): chr19:2,116,220, G>A on the plus strand (C>T on the coding strand, the complement: AP3D1 is on the minus strand). VCF-style: chr19-2116220-G-A. GRCh37 (hg19) VCF-style: chr19-2116219-G-A.
Other names: c.2060C>T, p.Pro687Leu (NM_001374799.1, NM_003938.8); short protein forms P687L.
Identifiers: ClinVar variation 2792435 (VCV002792435.3), dbSNP rs1428409833, ClinGen allele CA403215604.